The following is an entry in ClinVar:

NM_020207.7(ERCC6L2):c.1615G>C (p.Val539Leu)

Gene: ERCC6L2 (ERCC excision repair 6 like 2; plus strand). Cytogenetic location: 9q22.32.
Variant type: single nucleotide variant.
Coding change: c.1615G>C on transcript NM_020207.7 (MANE Select); coding-DNA position 1615, G replaced by C.
Protein change: p.Val539Leu; replaces valine 539 with leucine.
Molecular consequence: missense variant. On other transcripts: non-coding transcript variant (1).
Genome position (GRCh38, 1-based): chr9:95,928,728, G>C. VCF-style: chr9-95928728-G-C. GRCh37 (hg19) VCF-style: chr9-98691010-G-C.
Other names: c.1615G>C, p.Val539Leu (NM_001010895.4, NM_001375291.1, NM_001375292.1 and 2 more transcripts); short protein forms V539L.
Identifiers: ClinVar variation 4019315 (VCV004019315.1).
Genomic context (GRCh38, chr9:95,928,728, plus strand): 5'-AACTTACTTAACCAAGATTCATGTTTGCCCATCTTCATACCTCTCGTCTAGTTGCTTGAC[G>C]TGCTACAGCAGTACTGTATGGCGTCTGGGCTTGATTACCGACGACTTGATGGAAGTACAA-3'
Protein context (NP_064592.3, residues 529-549): LFSFSTKLLD[Val539Leu]LQQYCMASGL

ClinVar aggregate classification (germline): Uncertain significance (1 of 4 stars; one submission).

Conditions:
Inborn genetic diseases. Identifiers: MedGen C0950123, MeSH D030342.

gnomAD v4.1: 1 of 1,598,836 alleles (0.000063%); highest among the groups gnomAD compares: African/African-American, 0.0014%; no homozygotes.

Submission:

Ambry Genetics
Classification: Uncertain significance for Inborn genetic diseases. Last evaluated: 2025-04-18. Review status: criteria provided, single submitter. Criteria: Ambry Variant Classification Scheme 2023. Collection method: clinical testing. Allele origin: germline.
Comment: The p.V539L variant (also known as c.1615G>C), located in coding exon 11 of the ERCC6L2 gene, results from a G to C substitution at nucleotide position 1615. The valine at codon 539 is replaced by leucine, an amino acid with highly similar properties. This amino acid position is conserved. In addition, this alteration is predicted to be tolerated by in silico analysis. Based on the available evidence, the clinical significance of this variant remains unclear.